The following is an entry in ClinVar:

NM_000875.5(IGF1R):c.1463-5C>A

Gene: IGF1R (insulin like growth factor 1 receptor; plus strand). Cytogenetic location: 15q26.3.
Variant type: single nucleotide variant.
Coding change: c.1463-5C>A on transcript NM_000875.5 (MANE Select); 5 bases into the intron before coding-DNA position 1463, C replaced by A.
Molecular consequence: intron variant.
Genome position (GRCh38, 1-based): chr15:98,911,310, C>A. VCF-style: chr15-98911310-C-A. GRCh37 (hg19) VCF-style: chr15-99454539-C-A.
Other names: c.1463-5C>A (NM_001291858.2).
Identifiers: ClinVar variation 317447 (VCV000317447.19), dbSNP rs36108138, ClinGen allele CA7752112.

ClinVar aggregate classification (germline): Benign/Likely benign. Review status: criteria provided, multiple submitters, no conflicts (2 of 4 stars). 5 submissions from 5 submitters: Benign (1); Likely benign (3). 1 of the submissions does not count toward it. Last evaluated 2026-01-27.

Conditions:
IGF1R-related disorder. Also called: IGF1R-related condition.
Growth delay due to insulin-like growth factor I resistance. Also called: Insulin-Like Growth Factor I Resistance; Somatomedin end-organ insensitivity to; Somatomedin-c resistance to; IGF-1 resistance; IGF-I RESISTANCE. Identifiers: Orphanet 73273, MedGen C1849157, MONDO:0010038, OMIM 270450.

Allele frequency attached by ClinVar (database versions not stated): gnomAD exomes 0.00306 and 0.00122; ExAC 0.00363; gnomAD 0.01158 and 0.01246; ESP Exome Variant Server 0.01186; TOPMed 0.01311; 1000 Genomes Project 0.01418; 1000 Genomes Project 30x 0.01468.
gnomAD v4.1: 3,612 of 1,614,078 alleles (0.22%); highest among the groups gnomAD compares: African/African-American, 4.1%; 71 homozygotes.

Submissions (10):

Labcorp Genetics (formerly Invitae), Labcorp
Classification: Benign. Last evaluated: 2026-01-27. Review status: criteria provided, single submitter. Criteria: Invitae Variant Classification Sherloc (09022015). Collection method: clinical testing. Allele origin: germline.

Center for Pediatric Genomic Medicine, Children's Mercy Hospital and Clinics
Classification: Likely benign. Last evaluated: 2017-06-19. Review status: criteria provided, single submitter. Criteria: ACMG Guidelines, 2015. Collection method: clinical testing. Allele origin: germline.

Illumina Laboratory Services, Illumina
Classification: Likely benign for Growth delay due to insulin-like growth factor I resistance. Last evaluated: 2017-04-27. Review status: criteria provided, single submitter. Criteria: ICSL Variant Classification Criteria 13 December 2019. Collection method: clinical testing. Allele origin: germline.
Comment: This variant was observed as part of a predisposition screen in an ostensibly healthy population. A literature search was performed for the gene, cDNA change, and amino acid change (where applicable). No publications were found based on this search. Allele frequency data from public databases allowed determination this variant is unlikely to cause disease. Therefore, this variant is classified as likely benign.

Breakthrough Genomics
Classification: Likely benign. Review status: criteria provided, single submitter. Criteria: ACMG Guidelines, 2015. Collection method: not provided. Allele origin: germline. Inheritance: Autosomal dominant inheritance. Affected: yes.

PreventionGenetics, part of Exact Sciences
Classification: Benign for IGF1R-related condition. Last evaluated: 2019-08-08. Review status: no assertion criteria provided. Collection method: clinical testing. Allele origin: germline. Not counted in ClinVar's aggregate classification.
Comment: This variant is classified as benign based on ACMG/AMP sequence variant interpretation guidelines (Richards et al. 2015 PMID: 25741868, with internal and published modifications).

Dr. Peter K. Rogan Lab, Western University
No classification provided (evidence only). Condition: Clear cell carcinoma of kidney. Review status: no classification provided. Collection method: in vitro. Allele origin: not applicable. Functional consequence: retained intron. Not counted in ClinVar's aggregate classification.

Dr. Peter K. Rogan Lab, Western University
No classification provided (evidence only). Condition: Lung cancer. Review status: no classification provided. Collection method: in vitro. Allele origin: not applicable. Functional consequence: retained intron. Not counted in ClinVar's aggregate classification.

Dr. Peter K. Rogan Lab, Western University
No classification provided (evidence only). Condition: Cervical cancer. Review status: no classification provided. Collection method: in vitro. Allele origin: not applicable. Functional consequence: retained intron. Not counted in ClinVar's aggregate classification.

Dr. Peter K. Rogan Lab, Western University
No classification provided (evidence only). Condition: Ovarian serous cystadenocarcinoma. Review status: no classification provided. Collection method: in vitro. Allele origin: not applicable. Functional consequence: retained intron. Not counted in ClinVar's aggregate classification.

Dr. Peter K. Rogan Lab, Western University
No classification provided (evidence only). Condition: Ovarian serous cystadenocarcinoma. Review status: no classification provided. Collection method: in vitro. Allele origin: not applicable. Functional consequence: retained intron. Not counted in ClinVar's aggregate classification.